The following is an entry in ClinVar:

NM_001042492.3(NF1):c.4421C>T (p.Ala1474Val)

Gene: NF1 (neurofibromin 1; plus strand). Cytogenetic location: 17q11.2.
Variant type: single nucleotide variant.
Coding change: c.4421C>T on transcript NM_001042492.3 (MANE Select); coding-DNA position 4421, C replaced by T.
Protein change: p.Ala1474Val; replaces alanine 1474 with valine.
Molecular consequence: missense variant.
Genome position (GRCh38, 1-based): chr17:31,259,120, C>T. VCF-style: chr17-31259120-C-T. GRCh37 (hg19) VCF-style: chr17-29586138-C-T.
Other names: c.4358C>T, p.Ala1453Val (NM_000267.4); short protein forms A1453V.
Identifiers: ClinVar variation 141176 (VCV000141176.20), dbSNP rs587781553, ClinGen allele CA164682.

ClinVar aggregate classification (germline): Conflicting classifications of pathogenicity. Review status: criteria provided, conflicting classifications (1 of 4 stars). 8 submissions from 8 submitters: Uncertain significance (3); Benign (1); Likely benign (4). Last evaluated 2026-06-01.

Conditions:
Hereditary cancer-predisposing syndrome. Also called: Tumor predisposition; Hereditary neoplastic syndrome; Hereditary Cancer Syndrome; Neoplastic Syndromes, Hereditary. Identifiers: Orphanet 140162, MedGen C0027672, MeSH D009386, MONDO:0015356.
Cardiovascular phenotype. Identifiers: MedGen CN230736.
Neurofibromatosis, familial spinal (FSNF). Identifiers: Orphanet 636, MedGen C1834235, MONDO:0008078, OMIM 162210. Disease mechanism: loss of function.
Neurofibromatosis, type 1 (NF1). Also called: NEUROFIBROMATOSIS, TYPE I, SOMATIC; VON RECKLINGHAUSEN DISEASE; Neurofibromatosis, type I; Peripheral type neurofibromatosis. Identifiers: Orphanet 636, MedGen C0027831, MONDO:0018975, OMIM 162200. Disease mechanism: loss of function.
Juvenile myelomonocytic leukemia (JMML). Also called: LEUKEMIA, JUVENILE MYELOMONOCYTIC, SOMATIC. Identifiers: Orphanet 86834, MedGen C0349639, MONDO:0011908, OMIM 607785, HP:0012209.
Neurofibromatosis-Noonan syndrome (NFNS). Also called: NEUROFIBROMATOSIS WITH NOONAN PHENOTYPE. Identifiers: Orphanet 638, MedGen C2931482, MONDO:0011035, OMIM 601321. Disease mechanism: loss of function.
Café-au-lait macules with pulmonary stenosis (WTSN). Also called: PULMONIC STENOSIS WITH CAFE-AU-LAIT SPOTS. Identifiers: MedGen C0553586, MONDO:0008672, OMIM 193520.

Allele frequency attached by ClinVar (database versions not stated): gnomAD 0.00001; gnomAD exomes 0.00001 and 0.00004; TOPMed 0.00001; ExAC 0.00008.
gnomAD v4.1: 14 of 1,598,134 alleles (0.00088%); highest among the groups gnomAD compares: Admixed American, 0.024%; no homozygotes.

Submissions (8):

CeGaT Center for Human Genetics Tuebingen
Classification: Likely benign. Last evaluated: 2026-06-01. Review status: criteria provided, single submitter. Criteria: CeGaT Center For Human Genetics Tuebingen Variant Classification Criteria Version 2. Collection method: clinical testing. Allele origin: germline. Affected: yes. Observed: 1 variant allele.
Comment: NF1: BS1

Labcorp Genetics (formerly Invitae), Labcorp
Classification: Benign for Neurofibromatosis, type 1. Last evaluated: 2026-01-12. Review status: criteria provided, single submitter. Criteria: Invitae Variant Classification Sherloc (09022015). Collection method: clinical testing. Allele origin: germline.

Fulgent Genetics
Classification: Uncertain significance for Neurofibromatosis, type 1; Neurofibromatosis, familial spinal; Café-au-lait macules with pulmonary stenosis; Neurofibromatosis-Noonan syndrome; Juvenile myelomonocytic leukemia. Last evaluated: 2024-03-21. Review status: criteria provided, single submitter. Criteria: ACMG Guidelines, 2015. Collection method: clinical testing. Allele origin: germline.

Quest Diagnostics Nichols Institute San Juan Capistrano
Classification: Likely benign. Last evaluated: 2024-01-19. Review status: criteria provided, single submitter. Criteria: Quest Diagnostics criteria. Collection method: clinical testing. Allele origin: unknown.
Comment: The frequency of this variant in the general population is higher than would generally be expected for pathogenic variants in this gene.

Women's Health and Genetics/Laboratory Corporation of America, LabCorp
Classification: Likely benign. Last evaluated: 2021-10-25. Review status: criteria provided, single submitter. Criteria: LabCorp Variant Classification Summary - May 2015. Collection method: clinical testing. Allele origin: germline.
Comment: Variant summary: NF1 c.4358C>T (p.Ala1453Val) results in a non-conservative amino acid change in the encoded protein sequence. Three of five in-silico tools predict a benign effect of the variant on protein function. The variant allele was found at a frequency of 4.3e-05 in 231802 control chromosomes, predominantly at a frequency of 0.0003 within the Latino subpopulation in the gnomAD database. The observed variant frequency within Latino control individuals in the gnomAD database is approximately 1.4 fold of the estimated maximal expected allele frequency for a pathogenic variant in NF1 causing Neurofibromatosis Type 1 phenotype (0.00021), strongly suggesting that the variant is a benign polymorphism found primarily in populations of Latino origin. To our knowledge, no occurrence of c.4358C>T in individuals affected with Neurofibromatosis Type 1 and no experimental evidence demonstrating its impact on protein function have been reported. Two clinical diagnostic laboratories have submitted clinical-significance assessments for this variant to ClinVar after 2014 without evidence for independent evaluation. One laboratory classified the variant as benign and one laboratory classified the variant as uncertain significance. Based on the evidence outlined above, the variant was classified as likely benign.

GeneDx
Classification: Uncertain significance. Last evaluated: 2021-07-06. Review status: criteria provided, single submitter. Criteria: GeneDx Variant Classification Process June 2021. Collection method: clinical testing. Allele origin: germline. Affected: yes.
Comment: Has not been previously published as pathogenic or benign to our knowledge; In silico analysis supports that this missense variant does not alter protein structure/function; This variant is associated with the following publications: (PMID: 27535533, 22807134)

Ambry Genetics
Classification: Likely benign for Cardiovascular phenotype; Hereditary cancer-predisposing syndrome. Last evaluated: 2017-06-29. Review status: criteria provided, single submitter. Criteria: Ambry Variant Classification Scheme 2023. Collection method: clinical testing. Allele origin: germline.

Center for Human Genetics, Inc
Classification: Uncertain significance for Neurofibromatosis, type 1. Last evaluated: 2016-11-01. Review status: criteria provided, single submitter. Criteria: ACMG Guidelines, 2015. Collection method: clinical testing. Allele origin: germline. Affected: yes.